The following is an entry in ClinVar:

ClinVar aggregate classification (germline): Likely benign. Review status: criteria provided, multiple submitters, no conflicts (2 of 4 stars). 4 submissions from 4 submitters: Likely benign (4). Last evaluated 2025-04-23.

Conditions:
Hereditary breast ovarian cancer syndrome. Also called: Hereditary breast and ovarian cancer syndrome; BRCA1- and BRCA2-Associated Hereditary Breast and Ovarian Cancer; Breast and ovarian cancer; Hereditary breast and/or ovarian cancer syndrome; Hereditary breast and ovarian cancer; Hereditary breast and ovarian cancer syndrome (HBOC). Identifiers: Orphanet 145, MedGen C0677776, MeSH D061325, MONDO:0003582. Disease mechanism: loss of function.
BRCA1-related cancer predisposition. Identifiers: MedGen CN377757, MONDO:0700268.
Hereditary cancer-predisposing syndrome. Also called: Neoplastic Syndromes, Hereditary; Tumor predisposition; Hereditary Cancer Syndrome; Hereditary neoplastic syndrome. Identifiers: Orphanet 140162, MedGen C0027672, MeSH D009386, MONDO:0015356.

gnomAD v4.1: 4 of 1,614,058 alleles (0.00025%); highest among the groups gnomAD compares: Non-Finnish European, 0.00034%; no homozygotes.

Submissions (4):

Labcorp Genetics (formerly Invitae), Labcorp
Classification: Likely benign for Hereditary breast ovarian cancer syndrome. Last evaluated: 2025-04-23. Review status: criteria provided, single submitter. Criteria: Invitae Variant Classification Sherloc (09022015). Collection method: clinical testing. Allele origin: germline.

All of Us Research Program, National Institutes of Health
Classification: Likely benign for BRCA1-related cancer predisposition. Last evaluated: 2024-08-06. Review status: criteria provided, single submitter. Criteria: ACMG Guidelines, 2015. Collection method: clinical testing. Allele origin: germline. Inheritance: Autosomal dominant inheritance. Observed: 1 variant allele, 1 heterozygote.
Comment: This study involves interpretation of variants in research participants for the purpose of population health screening. Participant phenotype was not available at the time of variant classification. Additional details can be found in publication PMID: 35346344, PMCID: PMC8962531

Women's Health and Genetics/Laboratory Corporation of America, LabCorp
Classification: Likely benign. Last evaluated: 2019-08-21. Review status: criteria provided, single submitter. Criteria: LabCorp Variant Classification Summary - May 2015. Collection method: clinical testing. Allele origin: germline.

Ambry Genetics
Classification: Likely benign for Hereditary cancer-predisposing syndrome. Last evaluated: 2015-09-25. Review status: criteria provided, single submitter. Criteria: Ambry Variant Classification Scheme 2023. Collection method: clinical testing. Allele origin: germline.

NM_007294.4(BRCA1):c.2910A>G (p.Lys970=)

Gene: BRCA1 (BRCA1 DNA repair associated; minus strand). Cytogenetic location: 17q21.31.
Variant type: single nucleotide variant.
Coding change: c.2910A>G on transcript NM_007294.4 (MANE Select); coding-DNA position 2910, A replaced by G.
Protein change: p.Lys970=; no amino-acid change (lysine 970 retained).
Molecular consequence: synonymous variant. On other transcripts: intron variant (137).
Genome position (GRCh38, 1-based): chr17:43,092,621, T>C on the plus strand (A>G on the coding strand, the complement: BRCA1 is on the minus strand). VCF-style: chr17-43092621-T-C. GRCh37 (hg19) VCF-style: chr17-41244638-T-C.
Other names: c.2907A>G, p.Lys969= (NM_001407635.1, NM_001407636.1, NM_001407637.1 and 22 more transcripts); c.2910A>G, p.Lys970= (NM_001407639.1, NM_001407640.1, NM_001407641.1 and 30 more transcripts); c.2901A>G, p.Lys967= (NM_001407646.1, NM_001407647.1); c.2787A>G, p.Lys929= (NM_001407648.1, NM_001407664.1, NM_001407665.1 and 19 more transcripts); c.2784A>G, p.Lys928= (NM_001407649.1, NM_001407670.1, NM_001407671.1 and 11 more transcripts); c.2832A>G, p.Lys944= (NM_001407653.1, NM_001407654.1, NM_001407655.1 and 4 more transcripts); c.2829A>G, p.Lys943= (NM_001407659.1, NM_001407660.1, NM_001407661.1 and 1 more transcripts); c.2769A>G, p.Lys923= (NM_001407692.1, NM_001407694.1, NM_001407695.1 and 29 more transcripts); and 41 more.
Identifiers: ClinVar variation 234141 (VCV000234141.15), dbSNP rs431825394, ClinGen allele CA10580592.